The following is an entry in ClinVar:

NM_016122.3(CEP83):c.742G>A (p.Ala248Thr)

Gene: CEP83 (centrosomal protein 83; minus strand). Cytogenetic location: 12q22.
Variant type: single nucleotide variant.
Coding change: c.742G>A on transcript NM_016122.3 (MANE Select); coding-DNA position 742, G replaced by A.
Protein change: p.Ala248Thr; replaces alanine 248 with threonine.
Molecular consequence: missense variant. On other transcripts: non-coding transcript variant (3).
Genome position (GRCh38, 1-based): chr12:94,378,850, C>T on the plus strand (G>A on the coding strand, the complement: CEP83 is on the minus strand). VCF-style: chr12-94378850-C-T. GRCh37 (hg19) VCF-style: chr12-94772626-C-T.
Other names: c.742G>A, p.Ala248Thr (NM_001042399.2, NM_001346457.2, NM_001346460.2 and 3 more transcripts); c.430G>A, p.Ala144Thr (NM_001346458.2, NM_001346459.2, NM_001346462.2 and 2 more transcripts); c.517G>A, p.Ala173Thr (NM_001368041.1); c.205G>A, p.Ala69Thr (NM_001368042.1); c.742G>A (NM_016122.2); short protein forms A144T, A69T, A248T, A173T.
Identifiers: ClinVar variation 1034757 (VCV001034757.6), dbSNP rs2061686704, ClinGen allele CA386146712.

ClinVar aggregate classification (germline): Uncertain significance. Review status: criteria provided, multiple submitters, no conflicts (2 of 4 stars). 2 submissions from 2 submitters: Uncertain significance (2). Last evaluated 2022-09-28.

Conditions:
Inborn genetic diseases. Identifiers: MedGen C0950123, MeSH D030342.
Nephronophthisis 18 (NPHP18). Identifiers: Orphanet 655, MedGen C3890591, MONDO:0014374, OMIM 615862.

Allele frequency attached by ClinVar (database versions not stated): TOPMed 0.00001.
gnomAD v4.1: 1 of 1,614,080 alleles (0.000062%); no homozygotes.

Submissions (2):

Ambry Genetics
Classification: Uncertain significance for Inborn genetic diseases. Last evaluated: 2022-09-28. Review status: criteria provided, single submitter. Criteria: Ambry Variant Classification Scheme 2023. Collection method: clinical testing. Allele origin: germline.

Labcorp Genetics (formerly Invitae), Labcorp
Classification: Uncertain significance for Nephronophthisis 18. Last evaluated: 2021-12-03. Review status: criteria provided, single submitter. Criteria: Invitae Variant Classification Sherloc (09022015). Collection method: clinical testing. Allele origin: germline.
Comment: This sequence change replaces alanine, which is neutral and non-polar, with threonine, which is neutral and polar, at codon 248 of the CEP83 protein (p.Ala248Thr). This variant is not present in population databases (gnomAD no frequency). This variant has not been reported in the literature in individuals affected with CEP83-related conditions. ClinVar contains an entry for this variant (Variation ID: 1034757). Algorithms developed to predict the effect of missense changes on protein structure and function are either unavailable or do not agree on the potential impact of this missense change (SIFT: "Not Available"; PolyPhen-2: "Benign"; Align-GVGD: "Not Available"). In summary, the available evidence is currently insufficient to determine the role of this variant in disease. Therefore, it has been classified as a Variant of Uncertain Significance.